The following is an entry in ClinVar:

ClinVar aggregate classification (germline): Uncertain significance. Review status: criteria provided, multiple submitters, no conflicts (2 of 4 stars). 2 submissions from 2 submitters: Uncertain significance (2). Last evaluated 2025-09-13.

Conditions:
Hereditary cancer-predisposing syndrome. Also called: Neoplastic Syndromes, Hereditary; Hereditary Cancer Syndrome; Hereditary neoplastic syndrome; Tumor predisposition. Identifiers: Orphanet 140162, MedGen C0027672, MeSH D009386, MONDO:0015356.
Tumor predisposition syndrome 3 (TPDS3). Also called: Glioma susceptibility 9; LONG TELOMERE SYNDROME, POT1-RELATED; POT1 Tumor Predisposition; Melanoma, cutaneous malignant, susceptibility to, 10. Identifiers: Orphanet 618, MedGen C4014476, MONDO:0014368, OMIM 615848.

Allele frequency attached by ClinVar (database versions not stated): gnomAD exomes below 0.00001.

Submissions (2):

Ambry Genetics
Classification: Uncertain significance for Hereditary cancer-predisposing syndrome. Last evaluated: 2025-09-13. Review status: criteria provided, single submitter. Criteria: Ambry Variant Classification Scheme 2023. Collection method: clinical testing. Allele origin: germline.
Comment: The p.V156I variant (also known as c.466G>A), located in coding exon 4 of the POT1 gene, results from a G to A substitution at nucleotide position 466. The valine at codon 156 is replaced by isoleucine, an amino acid with highly similar properties. This amino acid position is well conserved in available vertebrate species. In addition, this alteration is predicted to be tolerated by in silico analysis. Since supporting evidence is limited at this time, the clinical significance of this alteration remains unclear.

Labcorp Genetics (formerly Invitae), Labcorp
Classification: Uncertain significance for Tumor predisposition syndrome 3. Last evaluated: 2022-07-05. Review status: criteria provided, single submitter. Criteria: Invitae Variant Classification Sherloc (09022015). Collection method: clinical testing. Allele origin: germline.
Comment: In summary, the available evidence is currently insufficient to determine the role of this variant in disease. Therefore, it has been classified as a Variant of Uncertain Significance. Algorithms developed to predict the effect of missense changes on protein structure and function (SIFT, PolyPhen-2, Align-GVGD) all suggest that this variant is likely to be tolerated. ClinVar contains an entry for this variant (Variation ID: 1011008). This variant has not been reported in the literature in individuals affected with POT1-related conditions. This variant is not present in population databases (gnomAD no frequency). This sequence change replaces valine, which is neutral and non-polar, with isoleucine, which is neutral and non-polar, at codon 156 of the POT1 protein (p.Val156Ile).

NM_015450.3(POT1):c.466G>A (p.Val156Ile)

Gene: POT1 (protection of telomeres 1; minus strand). Cytogenetic location: 7q31.33.
Variant type: single nucleotide variant.
Coding change: c.466G>A on transcript NM_015450.3 (MANE Select); coding-DNA position 466, G replaced by A.
Protein change: p.Val156Ile; replaces valine 156 with isoleucine.
Molecular consequence: missense variant. On other transcripts: non-coding transcript variant (3).
Genome position (GRCh38, 1-based): chr7:124,863,430, C>T on the plus strand (G>A on the coding strand, the complement: POT1 is on the minus strand). VCF-style: chr7-124863430-C-T. GRCh37 (hg19) VCF-style: chr7-124503484-C-T.
Other names: c.73G>A, p.Val25Ile (NM_001042594.2); short protein forms V156I, V25I.
Identifiers: ClinVar variation 1011008 (VCV001011008.12), dbSNP rs1795646926, ClinGen allele CA369059096.